The following is an entry in ClinVar:

NM_144997.7(FLCN):c.335C>T (p.Pro112Leu)

Gene: FLCN (folliculin; minus strand). Cytogenetic location: 17p11.2.
Variant type: single nucleotide variant.
Coding change: c.335C>T on transcript NM_144997.7 (MANE Select); coding-DNA position 335, C replaced by T.
Protein change: p.Pro112Leu; replaces proline 112 with leucine.
Molecular consequence: missense variant.
Genome position (GRCh38, 1-based): chr17:17,226,237, G>A on the plus strand (C>T on the coding strand, the complement: FLCN is on the minus strand). VCF-style: chr17-17226237-G-A. GRCh37 (hg19) VCF-style: chr17-17129551-G-A.
Other names: c.335C>T, p.Pro112Leu (NM_001353229.2, NM_001353230.2, NM_001353231.2 and 1 more transcripts); short protein forms P112L.
Identifiers: ClinVar variation 2419664 (VCV002419664.8), dbSNP rs2544281169, ClinGen allele CA398534808.

ClinVar aggregate classification (germline): Uncertain significance (1 of 4 stars; one submission).

Conditions:
Birt-Hogg-Dube syndrome. Also called: Birt Hogg Dubé syndrome. Identifiers: Orphanet 122, MedGen C0346010, MONDO:0800444.

Submission:

Labcorp Genetics (formerly Invitae), Labcorp
Classification: Uncertain significance for Birt-Hogg-Dube syndrome. Last evaluated: 2022-01-31. Review status: criteria provided, single submitter. Criteria: Invitae Variant Classification Sherloc (09022015). Collection method: clinical testing. Allele origin: germline.
Comment: In summary, the available evidence is currently insufficient to determine the role of this variant in disease. Therefore, it has been classified as a Variant of Uncertain Significance. This sequence change replaces proline, which is neutral and non-polar, with leucine, which is neutral and non-polar, at codon 112 of the FLCN protein (p.Pro112Leu). This variant is not present in population databases (gnomAD no frequency). This variant has not been reported in the literature in individuals affected with FLCN-related conditions. Algorithms developed to predict the effect of missense changes on protein structure and function (SIFT, PolyPhen-2, Align-GVGD) all suggest that this variant is likely to be disruptive.